The following is an entry in ClinVar:

NM_005732.4(RAD50):c.1393C>T (p.Gln465Ter)

Gene: RAD50 (RAD50 double strand break repair protein; plus strand). Cytogenetic location: 5q31.1.
Variant type: single nucleotide variant.
Coding change: c.1393C>T on transcript NM_005732.4 (MANE Select); coding-DNA position 1393, C replaced by T.
Protein change: p.Gln465Ter; replaces glutamine 465 with a stop codon.
Molecular consequence: nonsense.
Genome position (GRCh38, 1-based): chr5:132,589,778, C>T. VCF-style: chr5-132589778-C-T. GRCh37 (hg19) VCF-style: chr5-131925470-C-T.
Other names: short protein forms Q465*.
Identifiers: ClinVar variation 127997 (VCV000127997.21), dbSNP rs587780150, ClinGen allele CA288195.

ClinVar aggregate classification (germline): Pathogenic/Likely pathogenic. Review status: criteria provided, multiple submitters, no conflicts (2 of 4 stars). 4 submissions from 4 submitters: Pathogenic (3); Likely pathogenic (1). Last evaluated 2025-04-14.

Conditions:
RAD50-related disorder. Also called: RAD50-related condition.
Nijmegen breakage syndrome-like disorder (NBSLD). Also called: MICROCEPHALY AND SPONTANEOUS CHROMOSOME INSTABILITY WITHOUT IMMUNODEFICIENCY; NBS-LIKE DISORDER; RAD50 DEFICIENCY. Identifiers: Orphanet 240760, MedGen C2751318, MONDO:0013118, OMIM 613078.
Hereditary cancer-predisposing syndrome. Also called: Tumor predisposition; Hereditary neoplastic syndrome; Neoplastic Syndromes, Hereditary; Hereditary Cancer Syndrome. Identifiers: Orphanet 140162, MedGen C0027672, MeSH D009386, MONDO:0015356.

Allele frequency attached by ClinVar (database versions not stated): gnomAD exomes 0.00001.
gnomAD v4.1: 15 of 1,613,732 alleles (0.00093%); highest among the groups gnomAD compares: Non-Finnish European, 0.0012%; no homozygotes.

Submissions (4):

Labcorp Genetics (formerly Invitae), Labcorp
Classification: Pathogenic for Hereditary cancer-predisposing syndrome. Last evaluated: 2025-04-14. Review status: criteria provided, single submitter. Criteria: Invitae Variant Classification Sherloc (09022015). Collection method: clinical testing. Allele origin: germline.
Comment: This sequence change creates a premature translational stop signal (p.Gln465*) in the RAD50 gene. It is expected to result in an absent or disrupted protein product. Loss-of-function variants in RAD50 are known to be pathogenic (PMID: 19409520). This variant is not present in population databases (gnomAD no frequency). This variant has not been reported in the literature in individuals affected with RAD50-related conditions. ClinVar contains an entry for this variant (Variation ID: 127997). For these reasons, this variant has been classified as Pathogenic.

Blueprint Genetics
Classification: Likely pathogenic for RAD50-related disorders. Last evaluated: 2024-11-26. Review status: criteria provided, single submitter. Criteria: ACMG Guidelines, 2015. Collection method: clinical testing. Allele origin: germline. Affected: yes. Observed: 2 variant alleles.

Ambry Genetics
Classification: Pathogenic for Hereditary cancer-predisposing syndrome. Last evaluated: 2021-10-05. Review status: criteria provided, single submitter. Criteria: Ambry Variant Classification Scheme 2023. Collection method: clinical testing. Allele origin: germline.
Comment: The p.Q465* pathogenic mutation (also known as c.1393C>T), located in coding exon 9 of the RAD50 gene, results from a C to T substitution at nucleotide position 1393. This changes the amino acid from a glutamine to a stop codon within coding exon 9. This variant was reported in 1/60,466 breast cancer cases and in 0/53,461 controls (Dorling et al. N Engl J Med. 2021 02;384:428-439). This variant is considered to be rare based on population cohorts in the Genome Aggregation Database (gnomAD). In addition to the clinical data presented in the literature, this alteration is expected to result in loss of function by premature protein truncation or nonsense-mediated mRNA decay. As such, this alteration is interpreted as a disease-causing mutation.

Revvity Omics, Revvity
Classification: Pathogenic for Nijmegen breakage syndrome-like disorder. Last evaluated: 2019-03-25. Review status: criteria provided, single submitter. Criteria: ACMG Guidelines, 2015. Collection method: clinical testing. Allele origin: germline.

Literature cited by the submitters: PubMed 19409520 (cited by Labcorp Genetics (formerly Invitae), Labcorp); PubMed 33471991 (cited by Ambry Genetics).